The following is an entry in ClinVar:

NM_000292.3(PHKA2):c.1714+1G>A

Gene: PHKA2 (phosphorylase kinase regulatory subunit alpha 2; minus strand). Cytogenetic location: Xp22.13.
Variant type: single nucleotide variant.
Coding change: c.1714+1G>A on transcript NM_000292.3 (MANE Select); the canonical splice donor site of the intron after coding-DNA position 1714, G replaced by A.
Molecular consequence: splice donor variant.
Genome position (GRCh38, 1-based): chrX:18,924,380, C>T on the plus strand (G>A on the coding strand, the complement: PHKA2 is on the minus strand). VCF-style: chrX-18924380-C-T. GRCh37 (hg19) VCF-style: chrX-18942498-C-T.
Identifiers: ClinVar variation 526620 (VCV000526620.1), dbSNP rs1556002344, ClinGen allele CA412390998.
Genomic context (GRCh38, chrX:18,924,380, plus strand): 5'-TTTGTAAGAGCCCAAACCACCCCTGGGGCAGGAGGGAGCCTGCTGAAATCCCTGGAGTTA[C>T]TGAGCATGGTGCGACTGATGGGGAAGGTGAGTGTGGGTCTGCCCGTCATCCTCCAGCAGG-3'

ClinVar aggregate classification (germline): Likely pathogenic (1 of 4 stars; one submission).

Conditions:
Glycogen storage disease IXa1. Also called: LIVER GLYCOGENOSIS, X-LINKED, TYPE I; GLYCOGEN STORAGE DISEASE VIII; GSD VIII; Glycogen storage disease 8. Identifiers: Orphanet 264580, MedGen C3694531, MONDO:0010598, OMIM 306000.

Submission:

Labcorp Genetics (formerly Invitae), Labcorp
Classification: Likely pathogenic for Glycogen storage disease IXa1. Last evaluated: 2017-12-13. Review status: criteria provided, single submitter. Criteria: Invitae Variant Classification Sherloc (09022015). Collection method: clinical testing. Allele origin: germline.
Comment: This sequence change affects a donor splice site in intron 16 of the PHKA2 gene. It is expected to disrupt RNA splicing and likely results in an absent or disrupted protein product. This variant is not present in population databases (ExAC no frequency). This variant has not been reported in the literature in individuals with PHKA2-related disease. Algorithms developed to predict the effect of sequence changes on RNA splicing suggest that this variant may disrupt the consensus splice site, but this prediction has not been confirmed by published transcriptional studies. Donor and acceptor splice site variants typically lead to a loss of protein function (PMID: 16199547), and loss-of-function variants in PHKA2 are known to be pathogenic (PMID: 7711737, 10330341). In summary, the currently available evidence indicates that the variant is pathogenic, but additional data are needed to prove that conclusively. Therefore, this variant has been classified as Likely Pathogenic.

Literature cited by the submitters: PubMed 10330341; PubMed 7711737.